The following is an entry in ClinVar:

ClinVar aggregate classification (germline): Conflicting classifications of pathogenicity. Review status: criteria provided, conflicting classifications (1 of 4 stars). 2 submissions from 2 submitters: Likely pathogenic (1); Uncertain significance (1). Last evaluated 2024-06-06.

Submissions (2):

Women's Health and Genetics/Laboratory Corporation of America, LabCorp
Classification: Uncertain significance. Last evaluated: 2024-06-06. Review status: criteria provided, single submitter. Criteria: LabCorp Variant Classification Summary - May 2015. Collection method: clinical testing. Allele origin: germline.
Comment: Variant summary: USH2A c.4886-33_4894dup42 spans an intron-exon boundary and therefore could affect mRNA splicing, leading to a significantly altered protein sequence. Several computational tools predict a significant impact on normal splicing: Two predict the variant creates a 5' donor site. Four predict the variant creates a 3' acceptor site. However, these predictions have yet to be confirmed by functional studies. The variant was absent in 250502 control chromosomes. The available data on variant occurrences in the general population are insufficient to allow any conclusion about variant significance. To our knowledge, no occurrence of c.4886-33_4894dup42 in individuals affected with Usher Syndrome and no experimental evidence demonstrating its impact on protein function have been reported. ClinVar contains an entry for this variant (Variation ID: 2012211). Based on the evidence outlined above, the variant was classified as uncertain significance.

Labcorp Genetics (formerly Invitae), Labcorp
Classification: Likely pathogenic. Last evaluated: 2022-01-01. Review status: criteria provided, single submitter. Criteria: Invitae Variant Classification Sherloc (09022015). Collection method: clinical testing. Allele origin: germline.
Comment: In summary, the currently available evidence indicates that the variant is pathogenic, but additional data are needed to prove that conclusively. Therefore, this variant has been classified as Likely Pathogenic. Algorithms developed to predict the effect of sequence changes on RNA splicing suggest that this variant may create or strengthen a splice site. This variant has not been reported in the literature in individuals affected with USH2A-related conditions. This variant is not present in population databases (gnomAD no frequency). This sequence change affects a splice site in intron 23 of the USH2A gene. It is expected to disrupt RNA splicing. Variants that disrupt the donor or acceptor splice site typically lead to a loss of protein function (PMID: 16199547), and loss-of-function variants in USH2A are known to be pathogenic (PMID: 10729113, 10909849, 20507924, 25649381).

Literature cited by the submitters: PubMed 16199547 (cited by Labcorp Genetics (formerly Invitae), Labcorp); PubMed 10729113 (cited by Labcorp Genetics (formerly Invitae), Labcorp); PubMed 10909849 (cited by Labcorp Genetics (formerly Invitae), Labcorp); PubMed 20507924 (cited by Labcorp Genetics (formerly Invitae), Labcorp); PubMed 25649381 (cited by Labcorp Genetics (formerly Invitae), Labcorp).

NM_206933.4(USH2A):c.4886-33_4894dup

Genes: USH2A-AS2 (USH2A antisense RNA 2; plus strand), USH2A (usherin; minus strand). Cytogenetic location: 1q41.
Variant type: Duplication.
Coding change: c.4886-33_4894dup on transcript NM_206933.4 (MANE Select); 33 bases into the intron before coding-DNA position 4886 through coding-DNA position 4894, 42 bases duplicated.
Molecular consequence: splice acceptor variant. On other transcripts: non-coding transcript variant (2).
Genome position (GRCh38, 1-based): chr1:216,086,812-216,086,853, 42 bases duplicated; duplicating any 42 consecutive bases within chr1:216,086,812-216,086,856 gives the same sequence; the c. name uses the placement nearest the transcript's 3' end. GRCh37 (hg19): chr1:216,260,157-216,260,198.
Other names: c.4886-33_4894dup42 (NM_206933.4).
Identifiers: ClinVar variation 2012211 (VCV002012211.5), dbSNP rs2527813624, ClinGen allele CA2580062105.